The following is an entry in ClinVar:

ClinVar aggregate classification (germline): Uncertain significance (1 of 4 stars; one submission).

Conditions:
Inborn genetic diseases. Identifiers: MedGen C0950123, MeSH D030342.

gnomAD v4.1: 1 of 1,613,668 alleles (0.000062%); highest among the groups gnomAD compares: African/African-American, 0.0013%; no homozygotes.

Submission:

Ambry Genetics
Classification: Uncertain significance for Inborn genetic diseases. Last evaluated: 2026-05-27. Review status: criteria provided, single submitter. Criteria: Ambry Variant Classification Scheme 2023. Collection method: clinical testing. Allele origin: germline.
Comment: The c.-2A>C variant is located in the 5' untranslated region (5&rsquo; UTR) of the ETV6 gene. This variant results from an A to C substitution 2 bases upstream from the first translated codon. This nucleotide position is highly conserved in available vertebrate species. Based on the available evidence, the clinical significance of this variant remains unclear.

NM_001987.5(ETV6):c.-2A>C

Gene: ETV6 (ETS variant transcription factor 6; plus strand). Cytogenetic location: 12p13.2.
Variant type: single nucleotide variant.
Coding change: c.-2A>C on transcript NM_001987.5 (MANE Select); 2 bases upstream of the start codon, A replaced by C.
Molecular consequence: 5 prime UTR variant.
Genome position (GRCh38, 1-based): chr12:11,650,126, A>C. VCF-style: chr12-11650126-A-C. GRCh37 (hg19) VCF-style: chr12-11803060-A-C.
Other names: c.-2A>C (NM_001413913.1, NM_001413916.1, NM_001413917.1 and 1 more transcripts); c.-154A>C (NM_001413914.1); c.-136A>C (NM_001413915.1).
Identifiers: ClinVar variation 4870646 (VCV004870646.1).